The following is an entry in ClinVar:

ClinVar aggregate classification (germline): Uncertain significance (1 of 4 stars; one submission).

Conditions:
Axenfeld-Rieger syndrome type 3 (RIEG3). Also called: AXENFELD-RIEGER ANOMALY WITH CARDIAC DEFECTS AND/OR SENSORINEURAL HEARING LOSS. Identifiers: Orphanet 782, MedGen C2678503, MONDO:0011233, OMIM 602482.

Submission:

Labcorp Genetics (formerly Invitae), Labcorp
Classification: Uncertain significance for Axenfeld-Rieger syndrome type 3. Last evaluated: 2021-05-13. Review status: criteria provided, single submitter. Criteria: Invitae Variant Classification Sherloc (09022015). Collection method: clinical testing. Allele origin: germline.
Comment: In summary, the available evidence is currently insufficient to determine the role of this variant in disease. Therefore, it has been classified as a Variant of Uncertain Significance. This sequence change replaces glycine with alanine at codon 386 of the FOXC1 protein (p.Gly386Ala). The glycine residue is weakly conserved and there is a small physicochemical difference between glycine and alanine. The frequency data for this variant in the population databases is considered unreliable, as metrics indicate insufficient coverage at this position in the ExAC database. This variant has not been reported in the literature in individuals with FOXC1-related conditions. Algorithms developed to predict the effect of missense changes on protein structure and function output the following: SIFT: "Deleterious"; PolyPhen-2: "Possibly Damaging"; Align-GVGD: "Class C0". The alanine amino acid residue is found in multiple mammalian species, suggesting that this missense change does not adversely affect protein function. These predictions have not been confirmed by published functional studies and their clinical significance is uncertain.

NM_001453.3(FOXC1):c.1157G>C (p.Gly386Ala)

Gene: FOXC1 (forkhead box C1; plus strand). Cytogenetic location: 6p25.3.
Variant type: single nucleotide variant.
Coding change: c.1157G>C on transcript NM_001453.3 (MANE Select); coding-DNA position 1157, G replaced by C.
Protein change: p.Gly386Ala; replaces glycine 386 with alanine.
Molecular consequence: missense variant.
Genome position (GRCh38, 1-based): chr6:1,611,602, G>C. VCF-style: chr6-1611602-G-C. GRCh37 (hg19) VCF-style: chr6-1611837-G-C.
Other names: short protein forms G386A.
Identifiers: ClinVar variation 1384841 (VCV001384841.8), dbSNP rs1411477778, ClinGen allele CA362560331.
Genomic context (GRCh38, chr6:1,611,602, plus strand): 5'-GCCAGACCTCCAGCGCGGGCAGCTCGGGCGGCGGCGGCGGCGGCGCGGGGGCCGCGGGGG[G>C]CGCGGGCGGCGCCGGGACCTACCACTGCAACCTGCAAGCCATGAGCCTGTACGCGGCCGG-3'
Protein context (NP_001444.2, residues 376-396): GGGGGAGAAG[Gly386Ala]AGGAGTYHCN